The following is an entry in ClinVar:

GRCh38/hg38 1q21.1-21.2(chr1:147055789-148328747)x3

Genes: ACP6 (acid phosphatase 6, lysophosphatidic; minus strand), BCL9 (BCL9 transcription coactivator; plus strand), LINC00624 (long independently transcribed non-coding RNA 624; minus strand), CHD1L (chromodomain helicase DNA binding protein 1 like; plus strand), FMO5 (flavin containing dimethylaniline monoxygenase 5; minus strand) and 42 more. Cytogenetic location: 1q21.1-21.2.
Variant type: copy number gain.
Change: copy number 3 (three copies instead of two) of chr1:147,055,789-148,328,747 (1.27 Mb, GRCh38 coordinates, 1-based), cytogenetic band 1q21.1-21.2.
Identifiers: ClinVar variation 59367 (VCV000059367.2).

ClinVar aggregate classification (germline): Pathogenic (1 of 4 stars; one submission).

Submission:

ISCA Site 6
Classification: Pathogenic. Last evaluated: 2011-08-12. Review status: criteria provided, single submitter. Criteria: Kaminsky et al. (Genet Med. 2011). Collection method: clinical testing. Allele origin: unknown. Affected: yes. Observed: 1 variant allele.
Comment: Copy number variation identified through the course of routine clinical cytogenomic testing in postnatal populations. Clinical assertions have been curated as described in Kaminsky et al. 2011.